The following is an entry in ClinVar:

NM_001297.5(CNGB1):c.2189A>G (p.Asn730Ser)

Gene: CNGB1 (cyclic nucleotide gated channel subunit beta 1; minus strand). Cytogenetic location: 16q21.
Variant type: single nucleotide variant.
Coding change: c.2189A>G on transcript NM_001297.5 (MANE Select); coding-DNA position 2189, A replaced by G.
Protein change: p.Asn730Ser; replaces asparagine 730 with serine.
Molecular consequence: missense variant.
Genome position (GRCh38, 1-based): chr16:57,916,157, T>C on the plus strand (A>G on the coding strand, the complement: CNGB1 is on the minus strand). VCF-style: chr16-57916157-T-C. GRCh37 (hg19) VCF-style: chr16-57950061-T-C.
Other names: c.2171A>G, p.Asn724Ser (NM_001286130.2); short protein forms N730S, N724S.
Identifiers: ClinVar variation 1045069 (VCV001045069.12), dbSNP rs746465669, ClinGen allele CA8083129.

ClinVar aggregate classification (germline): Uncertain significance. Review status: criteria provided, multiple submitters, no conflicts (2 of 4 stars). 2 submissions from 2 submitters: Uncertain significance (2). Last evaluated 2025-08-17.

Allele frequency attached by ClinVar (database versions not stated): gnomAD exomes 0.00001 and 0.00002; TOPMed 0.00002.
gnomAD v4.1: 20 of 1,614,056 alleles (0.0012%); highest among the groups gnomAD compares: South Asian, 0.018%; no homozygotes.

Submissions (2):

Dasa
Classification: Uncertain significance. Last evaluated: 2025-08-17. Review status: criteria provided, single submitter. Criteria: DASA Assertion Criteria. Collection method: clinical testing. Allele origin: germline.
Comment: NM_001297.5(CNGB1):c.2189A>G (p.Asn730Ser) is a missense variant that results in the substitution of asparagine with serine. This variant is rare in population databases. Computational prediction algorithms are consistent with a benign effect. The currently available literature and clinical evidence are not sufficient to establish a definitive association between this variant and the reported condition. Therefore, this variant is classified as a variant of uncertain significance.

Labcorp Genetics (formerly Invitae), Labcorp
Classification: Uncertain significance. Last evaluated: 2024-10-25. Review status: criteria provided, single submitter. Criteria: Invitae Variant Classification Sherloc (09022015). Collection method: clinical testing. Allele origin: germline.
Comment: This sequence change replaces asparagine, which is neutral and polar, with serine, which is neutral and polar, at codon 730 of the CNGB1 protein (p.Asn730Ser). This variant is present in population databases (rs746465669, gnomAD 0.02%). This variant has not been reported in the literature in individuals affected with CNGB1-related conditions. ClinVar contains an entry for this variant (Variation ID: 1045069). Invitae Evidence Modeling of protein sequence and biophysical properties (such as structural, functional, and spatial information, amino acid conservation, physicochemical variation, residue mobility, and thermodynamic stability) indicates that this missense variant is not expected to disrupt CNGB1 protein function with a negative predictive value of 80%. In summary, the available evidence is currently insufficient to determine the role of this variant in disease. Therefore, it has been classified as a Variant of Uncertain Significance.